The following is an entry in ClinVar:

ClinVar aggregate classification (germline): Likely benign. Review status: criteria provided, multiple submitters, no conflicts (2 of 4 stars). 2 submissions from 2 submitters: Likely benign (2). Last evaluated 2026-02-01.

gnomAD v4.1: 1,858 of 1,600,874 alleles (0.12%); highest among the groups gnomAD compares: Middle Eastern, 0.48%; 2 homozygotes.

Submissions (2):

CeGaT Center for Human Genetics Tuebingen
Classification: Likely benign. Last evaluated: 2026-02-01. Review status: criteria provided, single submitter. Criteria: CeGaT Center For Human Genetics Tuebingen Variant Classification Criteria Version 2. Collection method: clinical testing. Allele origin: germline. Affected: yes. Observed: 1 variant allele.
Comment: ABCA2: BP4, BS2

Blueprint Genetics
Classification: Likely benign. Last evaluated: 2024-11-22. Review status: criteria provided, single submitter. Criteria: ACMG Guidelines, 2015. Collection method: clinical testing. Allele origin: germline.

NM_001606.5(ABCA2):c.4447+4G>A

Gene: ABCA2 (ATP binding cassette subfamily A member 2; minus strand). Cytogenetic location: 9q34.3.
Variant type: single nucleotide variant.
Coding change: c.4447+4G>A on transcript NM_001606.5 (MANE Select); 4 bases into the intron after coding-DNA position 4447, G replaced by A.
Molecular consequence: intron variant.
Genome position (GRCh38, 1-based): chr9:137,013,828, C>T on the plus strand (G>A on the coding strand, the complement: ABCA2 is on the minus strand). VCF-style: chr9-137013828-C-T. GRCh37 (hg19) VCF-style: chr9-139908280-C-T.
Other names: c.4537+4G>A (NM_212533.3); c.4444+4G>A (NM_001411042.1).
Identifiers: ClinVar variation 4820957 (VCV004820957.5).